The following is an entry in ClinVar:

ClinVar aggregate classification (germline): Uncertain significance. Review status: criteria provided, multiple submitters, no conflicts (2 of 4 stars). 2 submissions from 2 submitters: Uncertain significance (2). Last evaluated 2025-01-14.

Conditions:
Inborn genetic diseases. Identifiers: MedGen C0950123, MeSH D030342.

Allele frequency attached by ClinVar (database versions not stated): ExAC 0.00007; TOPMed 0.00007; ESP Exome Variant Server 0.00008; gnomAD 0.00009; gnomAD exomes 0.00009.
gnomAD v4.1: 142 of 1,614,078 alleles (0.0088%); highest among the groups gnomAD compares: Non-Finnish European, 0.011%; no homozygotes.

Submissions (2):

Ambry Genetics
Classification: Uncertain significance for Inborn genetic diseases. Last evaluated: 2025-01-14. Review status: criteria provided, single submitter. Criteria: Ambry Variant Classification Scheme 2023. Collection method: clinical testing. Allele origin: germline.

Labcorp Genetics (formerly Invitae), Labcorp
Classification: Uncertain significance. Last evaluated: 2022-03-20. Review status: criteria provided, single submitter. Criteria: Invitae Variant Classification Sherloc (09022015). Collection method: clinical testing. Allele origin: germline.
Comment: This sequence change replaces arginine, which is basic and polar, with glutamine, which is neutral and polar, at codon 1062 of the ADAMTS17 protein (p.Arg1062Gln). This variant is present in population databases (rs376423645, gnomAD 0.01%). This variant has not been reported in the literature in individuals affected with ADAMTS17-related conditions. Algorithms developed to predict the effect of missense changes on protein structure and function are either unavailable or do not agree on the potential impact of this missense change (SIFT: "Not Available"; PolyPhen-2: "Probably Damaging"; Align-GVGD: "Not Available"). In summary, the available evidence is currently insufficient to determine the role of this variant in disease. Therefore, it has been classified as a Variant of Uncertain Significance.

NM_139057.4(ADAMTS17):c.3185G>A (p.Arg1062Gln)

Gene: ADAMTS17 (ADAM metallopeptidase with thrombospondin type 1 motif 17; minus strand). Cytogenetic location: 15q26.3.
Variant type: single nucleotide variant.
Coding change: c.3185G>A on transcript NM_139057.4 (MANE Select); coding-DNA position 3185, G replaced by A.
Protein change: p.Arg1062Gln; replaces arginine 1062 with glutamine.
Molecular consequence: missense variant.
Genome position (GRCh38, 1-based): chr15:99,974,505, C>T on the plus strand (G>A on the coding strand, the complement: ADAMTS17 is on the minus strand). VCF-style: chr15-99974505-C-T. GRCh37 (hg19) VCF-style: chr15-100514710-C-T.
Other names: c.3185G>A (NM_139057.2); short protein forms R1062Q.
Identifiers: ClinVar variation 2033380 (VCV002033380.3), dbSNP rs376423645, ClinGen allele CA7757436.